The following is an entry in ClinVar:

NM_020458.4(TTC7A):c.2245T>C (p.Tyr749His)

Gene: TTC7A (tetratricopeptide repeat domain 7A; plus strand). Cytogenetic location: 2p21.
Variant type: single nucleotide variant.
Coding change: c.2245T>C on transcript NM_020458.4 (MANE Select); coding-DNA position 2245, T replaced by C.
Protein change: p.Tyr749His; replaces tyrosine 749 with histidine.
Molecular consequence: missense variant.
Genome position (GRCh38, 1-based): chr2:47,060,861, T>C. VCF-style: chr2-47060861-T-C. GRCh37 (hg19) VCF-style: chr2-47288000-T-C.
Other names: c.2317T>C, p.Tyr773His (NM_001288951.2); c.2143T>C, p.Tyr715His (NM_001288953.2); c.1183T>C, p.Tyr395His (NM_001288955.2); short protein forms Y395H, Y715H, Y749H, Y773H.
Identifiers: ClinVar variation 1502396 (VCV001502396.8), dbSNP rs1315222428, ClinGen allele CA346714874.
Genomic context (GRCh38, chr2:47,060,861, plus strand): 5'-GAAGCAGGTTTCTGCATCCAGGAGGCGGCGGGCCTCTTCCCCACTTCTCACTCAGTACTC[T>C]ATATGCGGGGCCGGCTGGCTGAGGTGAAGGGCAACCTGGAGGAGGCCAAGCAGCTGTACA-3'
Protein context (NP_065191.2, residues 739-759): GLFPTSHSVL[Tyr749His]MRGRLAEVKG

ClinVar aggregate classification (germline): Uncertain significance (1 of 4 stars; one submission).

Conditions:
Multiple gastrointestinal atresias. Also called: Multiple intestinal atresia; FAMILIAL INTESTINAL POLYATRESIA SYNDROME. Identifiers: Orphanet 2300, MedGen C0220744, MONDO:0009465.

Allele frequency attached by ClinVar (database versions not stated): gnomAD exomes below 0.00001; gnomAD 0.00001; TOPMed 0.00001.
gnomAD v4.1: 1 of 1,614,030 alleles (0.000062%); highest among the groups gnomAD compares: Admixed American, 0.0017%; no homozygotes.

Submission:

Labcorp Genetics (formerly Invitae), Labcorp
Classification: Uncertain significance for Multiple gastrointestinal atresias. Last evaluated: 2022-07-26. Review status: criteria provided, single submitter. Criteria: Invitae Variant Classification Sherloc (09022015). Collection method: clinical testing. Allele origin: germline.
Comment: In summary, the available evidence is currently insufficient to determine the role of this variant in disease. Therefore, it has been classified as a Variant of Uncertain Significance. Algorithms developed to predict the effect of missense changes on protein structure and function output the following: SIFT: "Tolerated"; PolyPhen-2: "Benign"; Align-GVGD: "Class C0". The histidine amino acid residue is found in multiple mammalian species, which suggests that this missense change does not adversely affect protein function. ClinVar contains an entry for this variant (Variation ID: 1502396). This variant has not been reported in the literature in individuals affected with TTC7A-related conditions. This variant is present in population databases (no rsID available, gnomAD 0.006%). This sequence change replaces tyrosine, which is neutral and polar, with histidine, which is basic and polar, at codon 749 of the TTC7A protein (p.Tyr749His).